The following is an entry in ClinVar:

NC_000012.12:g.(?_32792414)_(32896741_?)del

Gene: PKP2 (plakophilin 2; minus strand). Cytogenetic location: 12p11.21.
Variant type: Deletion.
Identifiers: ClinVar variation 832232 (VCV000832232.1).

ClinVar aggregate classification (germline): Pathogenic (1 of 4 stars; one submission).

Conditions:
Arrhythmogenic right ventricular dysplasia 9 (ARVD9). Also called: ARRHYTHMOGENIC RIGHT VENTRICULAR DYSPLASIA, FAMILIAL, 9; Arrhythmogenic Right Ventricular Dysplasia/Cardiomyopathy 9. Identifiers: MedGen C1836906, MONDO:0012180, OMIM 609040.

Submission:

Labcorp Genetics (formerly Invitae), Labcorp
Classification: Pathogenic for Arrhythmogenic right ventricular cardiomyopathy, type 9. Last evaluated: 2019-05-14. Review status: criteria provided, single submitter. Criteria: Invitae Variant Classification Sherloc (09022015). Collection method: clinical testing. Allele origin: germline.
Comment: A gross deletion of the genomic region encompassing the full coding sequence of the PKP2 gene has been identified. The boundaries of this event are unknown as the deletion extends beyond the assayed region for this gene and therefore may encompass additional genes. Isolated whole-gene deletions of PKP2 have not been reported in the literature. However, larger copy number events that include this gene have been reported (PMID: 29038103, 28416588, 27030002). Loss-of-function variants in PKP2 are known to be pathogenic (PMID: 15489853, 23911551). For these reasons, this variant has been classified as Pathogenic.

Literature cited by the submitters: PubMed 29038103; PubMed 27030002; PubMed 28416588.